The following is an entry in ClinVar:

ClinVar aggregate classification (germline): Uncertain significance (1 of 4 stars; one submission).

Submission:

GeneDx
Classification: Uncertain significance. Last evaluated: 2025-05-29. Review status: criteria provided, single submitter. Criteria: GeneDx Variant Classification Process June 2021. Collection method: clinical testing. Allele origin: germline. Affected: yes.
Comment: In silico analysis supports a deleterious effect on splicing; No data available from control populations to assess the frequency of this variant; Has not been previously published as pathogenic or benign to our knowledge

NM_001368894.2(PAX6):c.-129+1G>T

Gene: PAX6 (paired box 6; minus strand). Cytogenetic location: 11p13.
Variant type: single nucleotide variant.
Coding change: c.-129+1G>T on transcript NM_001368894.2 (MANE Select); the canonical splice donor site of the intron after 129 bases upstream of the start codon, G replaced by T.
Molecular consequence: splice donor variant.
Genome position (GRCh38, 1-based): chr11:31,810,827, C>A on the plus strand (G>T on the coding strand, the complement: PAX6 is on the minus strand). VCF-style: chr11-31810827-C-A. GRCh37 (hg19) VCF-style: chr11-31832375-C-A.
Other names: c.-129+1G>T (NM_001127612.3, NM_001368921.2, NM_001368923.2 and 26 more transcripts); c.-29+1G>T (NM_001368910.2); c.-268+1G>T (NM_001368909.2); c.13+1G>T (NM_001368911.2); c.-406+1G>T (NM_001368904.2); c.-910+1G>T (NM_001368905.2).
Identifiers: ClinVar variation 4532326 (VCV004532326.1).
Genomic context (GRCh38, chr11:31,810,827, plus strand): 5'-AGGGGGAGACCTGTCTGAATATTGCAATAAAAATAAAGCGAGAAGAAAGAAGCGGACTCA[C>A]CTTTATGAGGCATCCTTTCTGGTTGTCACAGCTTCTGTCAAGAGTTTTGTTTGGTTGGGG-3'